The following is an entry in ClinVar:

ClinVar aggregate classification (germline): Uncertain significance (0 of 4 stars; one submission).

Conditions:
VWA2-related disorder. Also called: VWA2-related condition.

gnomAD v4.1: 62 of 1,613,474 alleles (0.0038%); highest among the groups gnomAD compares: East Asian, 0.053%; no homozygotes.

Submission:

PreventionGenetics, part of Exact Sciences
Classification: Uncertain significance for VWA2-related condition. Last evaluated: 2024-04-05. Review status: no assertion criteria provided. Collection method: clinical testing. Allele origin: germline.
Comment: The VWA2 c.794G>A variant is predicted to result in the amino acid substitution p.Arg265Gln. To our knowledge, this variant has not been reported in the literature. This variant is reported in 0.038% of alleles in individuals of East Asian descent in gnomAD. At this time, the clinical significance of this variant is uncertain due to the absence of conclusive functional and genetic evidence.

NM_001272046.2(VWA2):c.794G>A (p.Arg265Gln)

Gene: VWA2 (von Willebrand factor A domain containing 2; plus strand). Cytogenetic location: 10q25.3.
Variant type: single nucleotide variant.
Coding change: c.794G>A on transcript NM_001272046.2 (MANE Select); coding-DNA position 794, G replaced by A.
Protein change: p.Arg265Gln; replaces arginine 265 with glutamine.
Molecular consequence: missense variant.
Genome position (GRCh38, 1-based): chr10:114,278,812, G>A. VCF-style: chr10-114278812-G-A. GRCh37 (hg19) VCF-style: chr10-116038571-G-A.
Other names: c.794G>A, p.Arg265Gln (NM_001320804.1); short protein forms R265Q.
Identifiers: ClinVar variation 3354246 (VCV003354246.1).